The following is an entry in ClinVar:

ClinVar aggregate classification (germline): Uncertain significance. Review status: criteria provided, multiple submitters, no conflicts (2 of 4 stars). 2 submissions from 2 submitters: Uncertain significance (2). Last evaluated 2026-01-25.

Conditions:
Hereditary cancer-predisposing syndrome. Also called: Neoplastic Syndromes, Hereditary; Hereditary Cancer Syndrome; Tumor predisposition; Hereditary neoplastic syndrome. Identifiers: Orphanet 140162, MedGen C0027672, MeSH D009386, MONDO:0015356.
Familial cancer of breast. Also called: hereditary breast carcinoma; BREAST CANCER, FAMILIAL; Hereditary breast cancer. Identifiers: Orphanet 227535, MedGen C0346153, MONDO:0016419, OMIM 114480. Disease mechanism: loss of function.

Submissions (2):

Labcorp Genetics (formerly Invitae), Labcorp
Classification: Uncertain significance for Familial cancer of breast. Last evaluated: 2026-01-25. Review status: criteria provided, single submitter. Criteria: Invitae Variant Classification Sherloc (09022015). Collection method: clinical testing. Allele origin: germline.
Comment: This sequence change replaces glycine, which is neutral and non-polar, with valine, which is neutral and non-polar, at codon 674 of the BARD1 protein (p.Gly674Val). This variant is not present in population databases (gnomAD no frequency). This variant has not been reported in the literature in individuals affected with BARD1-related conditions. ClinVar contains an entry for this variant (Variation ID: 944783). An algorithm developed to predict the effect of missense changes on protein structure and function (PolyPhen-2) suggests that this variant is likely to be disruptive. In summary, the available evidence is currently insufficient to determine the role of this variant in disease. Therefore, it has been classified as a Variant of Uncertain Significance.

Ambry Genetics
Classification: Uncertain significance for Hereditary cancer-predisposing syndrome. Last evaluated: 2025-09-26. Review status: criteria provided, single submitter. Criteria: Ambry Variant Classification Scheme 2023. Collection method: clinical testing. Allele origin: germline.
Comment: The p.G674V variant (also known as c.2021G>T), located in coding exon 11 of the BARD1 gene, results from a G to T substitution at nucleotide position 2021. The glycine at codon 674 is replaced by valine, an amino acid with dissimilar properties. This amino acid position is highly conserved in available vertebrate species. In addition, the in silico prediction for this alteration is inconclusive. Based on the available evidence, the clinical significance of this variant remains unclear.

NM_000465.4(BARD1):c.2021G>T (p.Gly674Val)

Gene: BARD1 (BRCA1 associated RING domain 1; minus strand). Cytogenetic location: 2q35.
Variant type: single nucleotide variant.
Coding change: c.2021G>T on transcript NM_000465.4 (MANE Select); coding-DNA position 2021, G replaced by T.
Protein change: p.Gly674Val; replaces glycine 674 with valine.
Molecular consequence: missense variant. On other transcripts: non-coding transcript variant (3).
Genome position (GRCh38, 1-based): chr2:214,728,989, C>A on the plus strand (G>T on the coding strand, the complement: BARD1 is on the minus strand). VCF-style: chr2-214728989-C-A. GRCh37 (hg19) VCF-style: chr2-215593713-C-A.
Other names: c.2021G>T (NM_000465.2); c.1964G>T, p.Gly655Val (NM_001282543.2); c.668G>T, p.Gly223Val (NM_001282545.2); c.611G>T, p.Gly204Val (NM_001282548.2); c.482G>T, p.Gly161Val (NM_001282549.2); short protein forms G655V, G674V, G161V, G223V, G204V.
Identifiers: ClinVar variation 944783 (VCV000944783.11), dbSNP rs1692229510, ClinGen allele CA350450788.